The following is an entry in ClinVar:

NM_002661.5(PLCG2):c.1091C>A (p.Pro364His)

Gene: PLCG2 (phospholipase C gamma 2; plus strand). Cytogenetic location: 16q23.3.
Variant type: single nucleotide variant.
Coding change: c.1091C>A on transcript NM_002661.5 (MANE Select); coding-DNA position 1091, C replaced by A.
Protein change: p.Pro364His; replaces proline 364 with histidine.
Molecular consequence: missense variant.
Genome position (GRCh38, 1-based): chr16:81,895,825, C>A. VCF-style: chr16-81895825-C-A. GRCh37 (hg19) VCF-style: chr16-81929430-C-A.
Other names: c.1091C>A, p.Pro364His (NM_001425749.1, NM_001425750.1, NM_001425751.1); short protein forms P364H.
Identifiers: ClinVar variation 4715550 (VCV004715550.1).
Genomic context (GRCh38, chr16:81,895,825, plus strand): 5'-TGAACACACGTGGTATTGAGGCTGCCGCGTTTCTCCCTGTAGTGGACTGCTGGGACGGGC[C>A]CGATGGGAAGCCGGTCATCTACCATGGCTGGACGCGGACTACCAAGATCAAGTTTGACGA-3'
Protein context (NP_002652.2, residues 354-374): RCIELDCWDG[Pro364His]DGKPVIYHGW

ClinVar aggregate classification (germline): Uncertain significance (1 of 4 stars; one submission).

Conditions:
Familial cold autoinflammatory syndrome 3 (FCAS3). Also called: FAMILIAL ATYPICAL COLD URTICARIA; ANTIBODY DEFICIENCY AND IMMUNE DYSREGULATION, PLCG2-ASSOCIATED. Identifiers: Orphanet 300359, MedGen C3280914, MONDO:0013766, OMIM 614468.

Submission:

Labcorp Genetics (formerly Invitae), Labcorp
Classification: Uncertain significance for Familial cold autoinflammatory syndrome 3. Last evaluated: 2025-05-28. Review status: criteria provided, single submitter. Criteria: Invitae Variant Classification Sherloc (09022015). Collection method: clinical testing. Allele origin: germline.
Comment: This sequence change replaces proline, which is neutral and non-polar, with histidine, which is basic and polar, at codon 364 of the PLCG2 protein (p.Pro364His). This variant is not present in population databases (gnomAD no frequency). This variant has not been reported in the literature in individuals affected with PLCG2-related conditions. An algorithm developed to predict the effect of missense changes on protein structure and function (PolyPhen-2) suggests that this variant is likely to be disruptive. In summary, the available evidence is currently insufficient to determine the role of this variant in disease. Therefore, it has been classified as a Variant of Uncertain Significance.